The following is an entry in ClinVar:

NM_020843.4(SCAPER):c.1247A>T (p.Asn416Ile)

Gene: SCAPER (S-phase cyclin A associated protein in the ER; minus strand). Cytogenetic location: 15q24.3.
Variant type: single nucleotide variant.
Coding change: c.1247A>T on transcript NM_020843.4 (MANE Select); coding-DNA position 1247, A replaced by T.
Protein change: p.Asn416Ile; replaces asparagine 416 with isoleucine.
Molecular consequence: missense variant. On other transcripts: non-coding transcript variant (1).
Genome position (GRCh38, 1-based): chr15:76,771,743, T>A on the plus strand (A>T on the coding strand, the complement: SCAPER is on the minus strand). VCF-style: chr15-76771743-T-A. GRCh37 (hg19) VCF-style: chr15-77064084-T-A.
Other names: c.509A>T, p.Asn170Ile (NM_001145923.2); c.1247A>T, p.Asn416Ile (NM_001353009.2); c.845A>T, p.Asn282Ile (NM_001353010.2, NM_001353011.2, NM_001353012.2); short protein forms N170I, N282I, N416I.
Identifiers: ClinVar variation 4995908 (VCV004995908.1).

ClinVar aggregate classification (germline): Uncertain significance (1 of 4 stars; one submission).

Conditions:
SCAPER-related disorder. Also called: SCAPER-related condition.

Submission:

PreventionGenetics, part of Exact Sciences
Classification: Uncertain significance for SCAPER-related condition. Last evaluated: 2026-01-27. Review status: criteria provided, single submitter. Criteria: ACMG Guidelines, 2015. Collection method: clinical testing. Allele origin: germline.
Comment: The SCAPER c.1247A>T variant is predicted to result in the amino acid substitution p.Asn416Ile. To our knowledge, this variant has not been reported in the literature or in a large population database (gnomAD), indicating this variant is rare. At this time, the clinical significance of this variant is uncertain due to the absence of conclusive functional and genetic evidence.